The following is an entry in ClinVar:

NM_018192.4(P3H2):c.76C>A (p.Pro26Thr)

Gene: P3H2 (prolyl 3-hydroxylase 2; minus strand). Cytogenetic location: 3q28.
Variant type: single nucleotide variant.
Coding change: c.76C>A on transcript NM_018192.4 (MANE Select); coding-DNA position 76, C replaced by A.
Protein change: p.Pro26Thr; replaces proline 26 with threonine.
Molecular consequence: missense variant. On other transcripts: intron variant (1).
Genome position (GRCh38, 1-based): chr3:190,120,656, G>T on the plus strand (C>A on the coding strand, the complement: P3H2 is on the minus strand). VCF-style: chr3-190120656-G-T. GRCh37 (hg19) VCF-style: chr3-189838445-G-T.
Other names: c.-64+1547C>A (NM_001134418.2); short protein forms P26T.
Identifiers: ClinVar variation 3615177 (VCV003615177.2).

ClinVar aggregate classification (germline): Uncertain significance (1 of 4 stars; one submission).

gnomAD v4.1: 1 of 1,524,894 alleles (0.000066%); highest among the groups gnomAD compares: East Asian, 0.0025%; no homozygotes.

Submission:

Labcorp Genetics (formerly Invitae), Labcorp
Classification: Uncertain significance. Last evaluated: 2024-07-31. Review status: criteria provided, single submitter. Criteria: Invitae Variant Classification Sherloc (09022015). Collection method: clinical testing. Allele origin: germline.
Comment: This sequence change replaces proline, which is neutral and non-polar, with threonine, which is neutral and polar, at codon 26 of the P3H2 protein (p.Pro26Thr). This variant is not present in population databases (gnomAD no frequency). This variant has not been reported in the literature in individuals affected with P3H2-related conditions. An algorithm developed to predict the effect of missense changes on protein structure and function (PolyPhen-2) suggests that this variant is likely to be tolerated. In summary, the available evidence is currently insufficient to determine the role of this variant in disease. Therefore, it has been classified as a Variant of Uncertain Significance.